The following is an entry in ClinVar:

NM_014000.3(VCL):c.2705C>T (p.Ala902Val)

Gene: VCL (vinculin; plus strand). Cytogenetic location: 10q22.2.
Variant type: single nucleotide variant.
Coding change: c.2705C>T on transcript NM_014000.3 (MANE Select); coding-DNA position 2705, C replaced by T.
Protein change: p.Ala902Val; replaces alanine 902 with valine.
Molecular consequence: missense variant.
Genome position (GRCh38, 1-based): chr10:74,109,116, C>T. VCF-style: chr10-74109116-C-T. GRCh37 (hg19) VCF-style: chr10-75868874-C-T.
Other names: c.2705C>T, p.Ala902Val (NM_003373.4); short protein forms A902V.
Identifiers: ClinVar variation 3671760 (VCV003671760.2).
Genomic context (GRCh38, chr10:74,109,116, plus strand): 5'-ATGAAGAGTTCCCTGAGCAGAAGGCCGGGGAGGTGATTAACCAGCCAATGATGATGGCTG[C>T]CAGACAGCTCCATGATGAAGCTCGCAAATGGTCCAGCAAGGTAAGTAGTGAAGCTTTTCT-3'
Protein context (NP_054706.1, residues 892-912): EVINQPMMMA[Ala902Val]RQLHDEARKW

ClinVar aggregate classification (germline): Uncertain significance (1 of 4 stars; one submission).

Conditions:
Dilated cardiomyopathy 1W (CMD1W). Identifiers: Orphanet 154, MedGen C1969639, MONDO:0012667, OMIM 611407.

Submission:

Labcorp Genetics (formerly Invitae), Labcorp
Classification: Uncertain significance for Dilated cardiomyopathy 1W. Last evaluated: 2024-04-02. Review status: criteria provided, single submitter. Criteria: Invitae Variant Classification Sherloc (09022015). Collection method: clinical testing. Allele origin: germline.
Comment: This sequence change replaces alanine, which is neutral and non-polar, with valine, which is neutral and non-polar, at codon 902 of the VCL protein (p.Ala902Val). This variant is not present in population databases (gnomAD no frequency). This variant has not been reported in the literature in individuals affected with VCL-related conditions. An algorithm developed to predict the effect of missense changes on protein structure and function (PolyPhen-2) suggests that this variant is likely to be disruptive. In summary, the available evidence is currently insufficient to determine the role of this variant in disease. Therefore, it has been classified as a Variant of Uncertain Significance.